The following is an entry in ClinVar:

NM_006977.5(ZBTB25):c.246G>A (p.Thr82=)

Gene: ZBTB25 (zinc finger and BTB domain containing 25; minus strand). Cytogenetic location: 14q23.3.
Variant type: single nucleotide variant.
Coding change: c.246G>A on transcript NM_006977.5 (MANE Select); coding-DNA position 246, G replaced by A.
Protein change: p.Thr82=; no amino-acid change (threonine 82 retained).
Molecular consequence: synonymous variant. On other transcripts: intron variant (1).
Genome position (GRCh38, 1-based): chr14:64,487,985, C>T on the plus strand (G>A on the coding strand, the complement: ZBTB25 is on the minus strand). VCF-style: chr14-64487985-C-T. GRCh37 (hg19) VCF-style: chr14-64954703-C-T.
Other names: NC_000014.8:g.64954703C>T; c.246G>A, p.Thr82= (NM_001304507.1, NM_001354683.2, NM_001354684.2 and 3 more transcripts); c.363G>A, p.Thr121= (NM_001354682.2); c.173+2376G>A (NM_001304508.1).
Identifiers: ClinVar variation 3038087 (VCV003038087.3), dbSNP rs147617886, ClinGen allele CA7227127.

ClinVar aggregate classification (germline): Likely benign (0 of 4 stars; one submission).

Conditions:
ZBTB25-related disorder. Also called: ZBTB25-related condition.

Allele frequency attached by ClinVar (database versions not stated): 1000 Genomes Project 30x 0.00094; 1000 Genomes Project 0.00100; TOPMed 0.00196; ESP Exome Variant Server 0.00215; gnomAD 0.00221; ExAC 0.00265; gnomAD exomes 0.00281.
gnomAD v4.1: 4,427 of 1,614,110 alleles (0.27%); highest among the groups gnomAD compares: Non-Finnish European, 0.33%; 12 homozygotes.

Submissions (4):

PreventionGenetics, part of Exact Sciences
Classification: Likely benign for ZBTB25-related condition. Last evaluated: 2021-09-27. Review status: no assertion criteria provided. Collection method: clinical testing. Allele origin: germline.
Comment: This variant is classified as likely benign based on ACMG/AMP sequence variant interpretation guidelines (Richards et al. 2015 PMID: 25741868, with internal and published modifications).

Dr. Peter K. Rogan Lab, Western University
No classification provided (evidence only). Condition: Lung cancer. Review status: no classification provided. Collection method: in vitro. Allele origin: not applicable. Functional consequence: retained intron. Not counted in ClinVar's aggregate classification.

Dr. Peter K. Rogan Lab, Western University
No classification provided (evidence only). Condition: Familial cancer of breast. Review status: no classification provided. Collection method: in vitro. Allele origin: not applicable. Functional consequence: retained intron. Not counted in ClinVar's aggregate classification.

Dr. Peter K. Rogan Lab, Western University
No classification provided (evidence only). Condition: Nonpapillary renal cell carcinoma. Review status: no classification provided. Collection method: in vitro. Allele origin: not applicable. Functional consequence: retained intron. Not counted in ClinVar's aggregate classification.